The following is an entry in ClinVar:

NM_017721.5(CC2D1A):c.2455-1G>A

Gene: CC2D1A (coiled-coil and C2 domain containing 1A; plus strand). Cytogenetic location: 19p13.12.
Variant type: single nucleotide variant.
Coding change: c.2455-1G>A on transcript NM_017721.5 (MANE Select); the canonical splice acceptor site of the intron before coding-DNA position 2455, G replaced by A.
Molecular consequence: splice acceptor variant. On other transcripts: intron variant (1).
Genome position (GRCh38, 1-based): chr19:13,928,123, G>A. VCF-style: chr19-13928123-G-A. GRCh37 (hg19) VCF-style: chr19-14038936-G-A.
Other names: c.2455-4G>A (NM_001411138.1).
Identifiers: ClinVar variation 2844328 (VCV002844328.3), dbSNP rs1971718959, ClinGen allele CA404399670.

ClinVar aggregate classification (germline): Likely pathogenic (1 of 4 stars; one submission).

Allele frequency attached by ClinVar (database versions not stated): gnomAD exomes below 0.00001.
gnomAD v4.1: 3 of 1,611,744 alleles (0.00019%); highest among the groups gnomAD compares: Non-Finnish European, 0.00025%; no homozygotes.

Submission:

Labcorp Genetics (formerly Invitae), Labcorp
Classification: Likely pathogenic. Last evaluated: 2024-01-14. Review status: criteria provided, single submitter. Criteria: Invitae Variant Classification Sherloc (09022015). Collection method: clinical testing. Allele origin: germline.
Comment: This sequence change affects an acceptor splice site in intron 23 of the CC2D1A gene. It is expected to disrupt RNA splicing. Variants that disrupt the donor or acceptor splice site typically lead to a loss of protein function (PMID: 16199547), and loss-of-function variants in CC2D1A are known to be pathogenic (PMID: 16033914). This variant is not present in population databases (gnomAD no frequency). This variant has not been reported in the literature in individuals affected with CC2D1A-related conditions. Algorithms developed to predict the effect of sequence changes on RNA splicing suggest that this variant may disrupt the consensus splice site. In summary, the currently available evidence indicates that the variant is pathogenic, but additional data are needed to prove that conclusively. Therefore, this variant has been classified as Likely Pathogenic.

Literature cited by the submitters: PubMed 16199547; PubMed 16033914.